The following is an entry in ClinVar:

ClinVar aggregate classification (germline): Conflicting classifications of pathogenicity. Review status: criteria provided, conflicting classifications (1 of 4 stars). 7 submissions from 5 submitters: Uncertain significance (6); Likely benign (1). Last evaluated 2025-06-23.

Conditions:
Inborn genetic diseases. Identifiers: MedGen C0950123, MeSH D030342.
Obesity. Also called: Obesity disorder. Identifiers: Orphanet 71529, MedGen C0028754, MeSH D009765, MONDO:0011122, HP:0001513.
INSULIN RESISTANCE, DIGENIC. Identifiers: MedGen C4016738.
PPARG-related familial partial lipodystrophy. Also called: LIPODYSTROPHY, FAMILIAL PARTIAL, ASSOCIATED WITH PPARG MUTATIONS. Identifiers: Orphanet 79083, MedGen C1720861, MONDO:0011448, OMIM 604367.
PPARG-related disorder. Also called: PPARG-related condition; PPARG-related disorders.

Allele frequency attached by ClinVar (database versions not stated): gnomAD 0.00001; TOPMed 0.00001; ExAC 0.00002; gnomAD exomes 0.00002; ESP Exome Variant Server 0.00008.
gnomAD v4.1: 43 of 1,613,976 alleles (0.0027%); highest among the groups gnomAD compares: Admixed American, 0.0033%; no homozygotes.

Submissions (7):

PreventionGenetics, part of Exact Sciences
Classification: Uncertain significance for PPARG-related condition. Last evaluated: 2025-06-23. Review status: criteria provided, single submitter. Criteria: ACMG Guidelines, 2015. Collection method: clinical testing. Allele origin: germline.
Comment: The PPARG c.719G>A variant is predicted to result in the amino acid substitution p.Arg240Gln. This variant has been reported in a study of individuals with hypertriglyceridemia (Reported via NM_005037 as c.635G>A (p.Arg212Gln), Table S2, Deshotels et al. 2022. PubMed ID: 36325899). This variant is reported in 0.0058% of alleles in individuals of Latino descent in gnomAD. At this time, the clinical significance of this variant is uncertain due to the absence of conclusive functional and genetic evidence.

Labcorp Genetics (formerly Invitae), Labcorp
Classification: Uncertain significance. Last evaluated: 2023-06-27. Review status: criteria provided, single submitter. Criteria: Invitae Variant Classification Sherloc (09022015). Collection method: clinical testing. Allele origin: germline.
Comment: In summary, the available evidence is currently insufficient to determine the role of this variant in disease. Therefore, it has been classified as a Variant of Uncertain Significance. Advanced modeling of protein sequence and biophysical properties (such as structural, functional, and spatial information, amino acid conservation, physicochemical variation, residue mobility, and thermodynamic stability) performed at Invitae indicates that this missense variant is not expected to disrupt PPARG protein function. ClinVar contains an entry for this variant (Variation ID: 901923). This variant has not been reported in the literature in individuals affected with PPARG-related conditions. This variant is present in population databases (rs150296212, gnomAD 0.006%). This sequence change replaces arginine, which is basic and polar, with glutamine, which is neutral and polar, at codon 240 of the PPARG protein (p.Arg240Gln).

Ambry Genetics
Classification: Uncertain significance for Inborn genetic diseases. Last evaluated: 2021-07-14. Review status: criteria provided, single submitter. Criteria: Ambry Variant Classification Scheme 2023. Collection method: clinical testing. Allele origin: germline.

Genetic Services Laboratory, University of Chicago
Classification: Uncertain significance. Last evaluated: 2018-02-19. Review status: criteria provided, single submitter. Criteria: ACMG Guidelines, 2015. Collection method: clinical testing. Allele origin: germline. Affected: no.

Illumina Laboratory Services, Illumina
Classification: Uncertain significance for Diabetes Mellitus, Noninsulin-Dependent, with Acanthosis Nigricans and Hypertension. Last evaluated: 2018-01-13. Review status: criteria provided, single submitter. Criteria: ICSL Variant Classification Criteria 13 December 2019. Collection method: clinical testing. Allele origin: germline.

Illumina Laboratory Services, Illumina
Classification: Uncertain significance for Inherited obesity. Last evaluated: 2018-01-13. Review status: criteria provided, single submitter. Criteria: ICSL Variant Classification Criteria 13 December 2019. Collection method: clinical testing. Allele origin: germline.

Illumina Laboratory Services, Illumina
Classification: Likely benign for PPARG-related familial partial lipodystrophy. Last evaluated: 2018-01-13. Review status: criteria provided, single submitter. Criteria: ICSL Variant Classification Criteria 13 December 2019. Collection method: clinical testing. Allele origin: germline.
Comment: This variant was observed in the ICSL laboratory as part of a predisposition screen in an ostensibly healthy population. It had not been previously curated by ICSL or reported in the Human Gene Mutation Database (HGMD: prior to June 1st, 2018), and was therefore a candidate for classification through an automated scoring system. Utilizing variant allele frequency, disease prevalence and penetrance estimates, and inheritance mode, an automated score was calculated to assess if this variant is too frequent to cause the disease. Based on the score and internal cut-off values, a variant classified as likely benign is not then subjected to further curation. The score for this variant resulted in a classification of likely benign for this disease.

NM_138711.6(PPARG):c.629G>A (p.Arg210Gln)

Genes: PPARG (peroxisome proliferator activated receptor gamma; plus strand), LOC114803475 (PPARG eExon liver enhancer; plus strand). Cytogenetic location: 3p25.2.
Variant type: single nucleotide variant.
Coding change: c.629G>A on transcript NM_138711.6 (MANE Select); coding-DNA position 629, G replaced by A.
Protein change: p.Arg210Gln; replaces arginine 210 with glutamine.
Molecular consequence: missense variant. On other transcripts: intron variant (1).
Genome position (GRCh38, 1-based): chr3:12,405,981, G>A. VCF-style: chr3-12405981-G-A. GRCh37 (hg19) VCF-style: chr3-12447480-G-A.
Other names: c.629G>A, p.Arg210Gln (NM_001330615.4, NM_001354666.3, NM_001354667.3 and 6 more transcripts); c.719G>A, p.Arg240Gln (NM_001354668.2, NM_001374265.1, NM_015869.5); c.635G>A, p.Arg212Gln (NM_001354670.2, NM_001374266.1); c.103-10723G>A (NM_001354669.2); short protein forms R240Q, R212Q, R210Q.
Identifiers: ClinVar variation 901923 (VCV000901923.14), dbSNP rs150296212, ClinGen allele CA2258233.